The following is an entry in ClinVar:

ClinVar aggregate classification (germline): Likely benign (1 of 4 stars; one submission).

Conditions:
SH2B1-related disorder. Also called: SH2B1-related condition.

gnomAD v4.1: 1 of 1,613,646 alleles (0.000062%); highest among the groups gnomAD compares: South Asian, 0.0011%; no homozygotes.

Submission:

PreventionGenetics, part of Exact Sciences
Classification: Likely benign for SH2B1-related condition. Last evaluated: 2025-12-15. Review status: criteria provided, single submitter. Criteria: ACMG Guidelines, 2015. Collection method: clinical testing. Allele origin: germline.
Comment: This variant is classified as likely benign based on ACMG/AMP sequence variant interpretation guidelines (Richards et al. 2015 PMID: 25741868, with internal and published modifications).

NM_001387430.1(SH2B1):c.1548T>G (p.Gly516=)

Gene: SH2B1 (SH2B adaptor protein 1; plus strand). Cytogenetic location: 16p11.2.
Variant type: single nucleotide variant.
Coding change: c.1548T>G on transcript NM_001387430.1 (MANE Select); coding-DNA position 1548, T replaced by G.
Protein change: p.Gly516=; no amino-acid change (glycine 516 retained).
Molecular consequence: synonymous variant.
Genome position (GRCh38, 1-based): chr16:28,872,224, T>G. VCF-style: chr16-28872224-T-G. GRCh37 (hg19) VCF-style: chr16-28883545-T-G.
Other names: c.1548T>G, p.Gly516= (NM_001145795.2, NM_001145796.2, NM_001145797.2 and 4 more transcripts); c.540T>G, p.Gly180= (NM_001308294.2).
Identifiers: ClinVar variation 4996655 (VCV004996655.1).